The following is an entry in ClinVar:

NM_007294.4(BRCA1):c.-26G>T

Genes: BRCA1 (BRCA1 DNA repair associated; minus strand), LOC111589215 (BRCA1 promoter region; plus strand). Cytogenetic location: 17q21.31.
Variant type: single nucleotide variant.
Coding change: c.-26G>T on transcript NM_007294.4 (MANE Select); 26 bases upstream of the start codon, G replaced by T.
Molecular consequence: 5 prime UTR variant. On other transcripts: non-coding transcript variant (1).
Genome position (GRCh38, 1-based): chr17:43,125,277, C>A on the plus strand (G>T on the coding strand, the complement: BRCA1 is on the minus strand). VCF-style: chr17-43125277-C-A. GRCh37 (hg19) VCF-style: chr17-41277294-C-A.
Other names: c.-107G>T (NM_007297.4); c.-20G>T (NM_007299.4); c.-26G>T (NM_007300.4).
Identifiers: ClinVar variation 387278 (VCV000387278.1), dbSNP rs1057522752, ClinGen allele CA16607286.
Genomic context (GRCh38, chr17:43,125,277, plus strand): 5'-CAGTACCCCAGAGCATCACTTGGGCCCCCTGTCCCTTTCCCGGGACTCTACTACCTTTAC[C>A]CAGAGCAGAGGGTGAAGGCCTCCTGAGCGCAGGGGCCCAGTTATCTGAGAAACCCCACAG-3'

ClinVar aggregate classification (germline): Likely benign (1 of 4 stars; one submission).

Allele frequency attached by ClinVar (database versions not stated): TOPMed below 0.00001; gnomAD exomes 0.00001.
gnomAD v4.1: 2 of 456,238 alleles (0.00044%); highest among the groups gnomAD compares: Non-Finnish European, 0.00088%; no homozygotes.

Submission:

GeneDx
Classification: Likely benign. Last evaluated: 2016-06-27. Review status: criteria provided, single submitter. Criteria: GeneDx Variant Classification (06012015). Collection method: clinical testing. Allele origin: germline. Affected: yes.
Comment: This variant is considered likely benign or benign based on one or more of the following criteria: it is a conservative change, it occurs at a poorly conserved position in the protein, it is predicted to be benign by multiple in silico algorithms, and/or has population frequency not consistent with disease.